The following is an entry in ClinVar:

ClinVar aggregate classification (germline): Uncertain significance. Review status: criteria provided, multiple submitters, no conflicts (2 of 4 stars). 2 submissions from 2 submitters: Uncertain significance (2). Last evaluated 2026-05-20.

Conditions:
Inborn genetic diseases. Identifiers: MedGen C0950123, MeSH D030342.

Allele frequency attached by ClinVar (database versions not stated): ExAC 0.00005; gnomAD exomes 0.00001; 1000 Genomes Project 0.00020; ESP Exome Variant Server 0.00008; 1000 Genomes Project 30x 0.00016.
gnomAD v4.1: 14 of 1,607,156 alleles (0.00087%); highest among the groups gnomAD compares: Admixed American, 0.0034%; no homozygotes.

Submissions (2):

Ambry Genetics
Classification: Uncertain significance for Inborn genetic diseases. Last evaluated: 2026-05-20. Review status: criteria provided, single submitter. Criteria: Ambry Variant Classification Scheme 2023. Collection method: clinical testing. Allele origin: germline.

GeneDx
Classification: Uncertain significance. Last evaluated: 2024-07-21. Review status: criteria provided, single submitter. Criteria: GeneDx Variant Classification Process June 2021. Collection method: clinical testing. Allele origin: germline. Affected: yes.
Comment: Not observed at significant frequency in large population cohorts (gnomAD); In silico analysis supports that this missense variant has a deleterious effect on protein structure/function; Has not been previously published as pathogenic or benign to our knowledge

NM_018896.5(CACNA1G):c.3340G>A (p.Gly1114Ser)

Gene: CACNA1G (calcium voltage-gated channel subunit alpha1 G; plus strand). Cytogenetic location: 17q21.33.
Variant type: single nucleotide variant.
Coding change: c.3340G>A on transcript NM_018896.5 (MANE Select); coding-DNA position 3340, G replaced by A.
Protein change: p.Gly1114Ser; replaces glycine 1114 with serine.
Molecular consequence: missense variant. On other transcripts: non-coding transcript variant (5).
Genome position (GRCh38, 1-based): chr17:50,599,509, G>A. VCF-style: chr17-50599509-G-A. GRCh37 (hg19) VCF-style: chr17-48676870-G-A.
Other names: c.3340G>A, p.Gly1114Ser (NM_001256324.2, NM_001256325.2, NM_001256326.2 and 16 more transcripts); c.3271G>A, p.Gly1091Ser (NM_001256332.2, NM_198376.3, NM_198379.3 and 5 more transcripts); c.3340G>A (NM_018896.3); short protein forms G1091S, G1114S.
Identifiers: ClinVar variation 2443370 (VCV002443370.3), dbSNP rs201525297, ClinGen allele CA8652698.
Genomic context (GRCh38, chr17:50,599,509, plus strand): 5'-CACAGCCCCTGGAGCGCTGCAAGCAGCTGGACCAGCAGGCGCTCCAGCCGGAACAGCCTC[G>A]GCCGTGCACCCAGCCTGAAGCGGAGAAGCCCAAGTGGAGAGCGGCGGTCCCTGTTGTCGG-3'
Protein context (NP_061496.2, residues 1104-1124): TSRRSSRNSL[Gly1114Ser]RAPSLKRRSP